The following is an entry in ClinVar:

ClinVar aggregate classification (germline): Uncertain significance (1 of 4 stars; one submission).

Conditions:
Snijders Blok-Campeau syndrome. Also called: INTELLECTUAL DEVELOPMENTAL DISORDER WITH MACROCEPHALY, SPEECH DELAY, AND DYSMORPHIC FACIES. Identifiers: Orphanet 599082, MedGen C4748701, MONDO:0032600, OMIM 618205.

Submission:

Institute of Human Genetics, University of Leipzig Medical Center
Classification: Uncertain significance for Snijders Blok-Campeau syndrome. Last evaluated: 2025-06-25. Review status: criteria provided, single submitter. Criteria: ACMG Guidelines, 2015. Collection method: clinical testing. Allele origin: unknown. Inheritance: Autosomal dominant inheritance. Affected: yes.
Comment: Criteria applied: PM2,PP2,PP3

NM_001005273.3(CHD3):c.4346A>G (p.Glu1449Gly)

Gene: CHD3 (chromodomain helicase DNA binding protein 3; plus strand). Cytogenetic location: 17p13.1.
Variant type: single nucleotide variant.
Coding change: c.4346A>G on transcript NM_001005273.3 (MANE Select); coding-DNA position 4346, A replaced by G.
Protein change: p.Glu1449Gly; replaces glutamic acid 1449 with glycine.
Molecular consequence: missense variant.
Genome position (GRCh38, 1-based): chr17:7,905,977, A>G. VCF-style: chr17-7905977-A-G. GRCh37 (hg19) VCF-style: chr17-7809295-A-G.
Other names: c.4523A>G, p.Glu1508Gly (NM_001005271.3); c.4346A>G, p.Glu1449Gly (NM_005852.4); short protein forms E1449G, E1508G.
Identifiers: ClinVar variation 4056329 (VCV004056329.1).